The following is an entry in ClinVar:

NM_002047.4(GARS1):c.1918A>G (p.Arg640Gly)

Gene: GARS1 (glycyl-tRNA synthetase 1; plus strand). Cytogenetic location: 7p14.3.
Variant type: single nucleotide variant.
Coding change: c.1918A>G on transcript NM_002047.4 (MANE Select); coding-DNA position 1918, A replaced by G.
Protein change: p.Arg640Gly; replaces arginine 640 with glycine.
Molecular consequence: missense variant.
Genome position (GRCh38, 1-based): chr7:30,632,261, A>G. VCF-style: chr7-30632261-A-G. GRCh37 (hg19) VCF-style: chr7-30671877-A-G.
Other names: c.1756A>G, p.Arg586Gly (NM_001316772.1); short protein forms R586G, R640G.
Identifiers: ClinVar variation 3627790 (VCV003627790.2).

ClinVar aggregate classification (germline): Uncertain significance (1 of 4 stars; one submission).

Conditions:
Charcot-Marie-Tooth disease type 2. Also called: Charcot-Marie-Tooth type 2. Identifiers: Orphanet 64746, MedGen C0270914, MONDO:0018993.

gnomAD v4.1: 1 of 1,614,156 alleles (0.000062%); no homozygotes.

Submission:

Labcorp Genetics (formerly Invitae), Labcorp
Classification: Uncertain significance for Charcot-Marie-Tooth disease type 2. Last evaluated: 2024-05-22. Review status: criteria provided, single submitter. Criteria: Invitae Variant Classification Sherloc (09022015). Collection method: clinical testing. Allele origin: germline.
Comment: This sequence change replaces arginine, which is basic and polar, with glycine, which is neutral and non-polar, at codon 640 of the GARS protein (p.Arg640Gly). This variant is not present in population databases (gnomAD no frequency). This variant has not been reported in the literature in individuals affected with GARS-related conditions. Advanced modeling of protein sequence and biophysical properties (such as structural, functional, and spatial information, amino acid conservation, physicochemical variation, residue mobility, and thermodynamic stability) performed at Invitae indicates that this missense variant is not expected to disrupt GARS protein function with a negative predictive value of 80%. In summary, the available evidence is currently insufficient to determine the role of this variant in disease. Therefore, it has been classified as a Variant of Uncertain Significance.